The following is an entry in ClinVar:

NM_001170629.2(CHD8):c.7412C>A (p.Pro2471His)

Gene: CHD8 (chromodomain helicase DNA binding protein 8; minus strand). Cytogenetic location: 14q11.2.
Variant type: single nucleotide variant.
Coding change: c.7412C>A on transcript NM_001170629.2 (MANE Select); coding-DNA position 7412, C replaced by A.
Protein change: p.Pro2471His; replaces proline 2471 with histidine.
Molecular consequence: missense variant.
Genome position (GRCh38, 1-based): chr14:21,385,947, G>T on the plus strand (C>A on the coding strand, the complement: CHD8 is on the minus strand). VCF-style: chr14-21385947-G-T. GRCh37 (hg19) VCF-style: chr14-21854106-G-T.
Other names: c.6575C>A, p.Pro2192His (NM_020920.4); short protein forms P2192H, P2471H.
Identifiers: ClinVar variation 4851481 (VCV004851481.1).

ClinVar aggregate classification (germline): Uncertain significance (1 of 4 stars; one submission).

Conditions:
Paediatric disorders.

Submission:

North West Genomic Laboratory Hub, Manchester University NHS Foundation Trust
Classification: Uncertain significance for Paediatric disorders. Last evaluated: 2026-05-04. Review status: criteria provided, single submitter. Criteria: ACGS Best Practice Guidelines for Variant Classification in Rare Disease 2024. Collection method: clinical testing. Allele origin: germline. Affected: yes.
Comment: PM2_Supp BP4_Supp